The following is an entry in ClinVar:

ClinVar aggregate classification (germline): Likely benign (1 of 4 stars; one submission).

Allele frequency attached by ClinVar (database versions not stated): gnomAD 0.00002 and 0.00004; TOPMed 0.00002.

Submission:

GeneDx
Classification: Likely benign. Last evaluated: 2018-02-02. Review status: criteria provided, single submitter. Criteria: GeneDx Variant Classification (06012015). Collection method: clinical testing. Allele origin: germline. Affected: yes.
Comment: This variant is considered likely benign or benign based on one or more of the following criteria: it is a conservative change, it occurs at a poorly conserved position in the protein, it is predicted to be benign by multiple in silico algorithms, and/or has population frequency not consistent with disease.

NM_002538.4(OCLN):c.-69+16C>G

Gene: OCLN (occludin; plus strand). Cytogenetic location: 5q13.2.
Variant type: single nucleotide variant.
Coding change: c.-69+16C>G on transcript NM_002538.4; 16 bases into the intron after 69 bases upstream of the start codon, C replaced by G.
Molecular consequence: intron variant. On other transcripts: 5 prime UTR variant (1).
Genome position (GRCh38, 1-based): chr5:69,492,675, C>G. VCF-style: chr5-69492675-C-G. GRCh37 (hg19) VCF-style: chr5-68788502-C-G.
Other names: c.-104C>G (NM_001438604.1); c.-69+16C>G (NM_001410743.1).
Identifiers: ClinVar variation 515390 (VCV000515390.3), dbSNP rs1366392038, ClinGen allele CA560257902.